The following is an entry in ClinVar:

NM_004944.4(DNASE1L3):c.52G>A (p.Ala18Thr)

Gene: DNASE1L3 (deoxyribonuclease 1L3; minus strand). Cytogenetic location: 3p14.3.
Variant type: single nucleotide variant.
Coding change: c.52G>A on transcript NM_004944.4 (MANE Select); coding-DNA position 52, G replaced by A.
Protein change: p.Ala18Thr; replaces alanine 18 with threonine.
Molecular consequence: missense variant.
Genome position (GRCh38, 1-based): chr3:58,210,855, C>T on the plus strand (G>A on the coding strand, the complement: DNASE1L3 is on the minus strand). VCF-style: chr3-58210855-C-T. GRCh37 (hg19) VCF-style: chr3-58196582-C-T.
Other names: c.52G>A, p.Ala18Thr (NM_001256560.2); c.52G>A (NM_004944.2); short protein forms A18T.
Identifiers: ClinVar variation 1363400 (VCV001363400.7), dbSNP rs773990318, ClinGen allele CA2470140.
Genomic context (GRCh38, chr3:58,210,855, plus strand): 5'-CTTCCTGCTTGCTTTCCCCAAAGGACCTGACGTTGAAGGAGCAGATCCTCATGGCCAGGG[C>T]GCTGTGGATGGAGAGGAGGAGAAGCAGCAGTGGGGCCAGCTCCCGTGACATCCTGGCGCT-3'
Protein context (NP_004935.1, residues 8-28): LLLLLLSIHS[Ala18Thr]LAMRICSFNV

ClinVar aggregate classification (germline): Uncertain significance. Review status: criteria provided, multiple submitters, no conflicts (2 of 4 stars). 3 submissions from 3 submitters: Uncertain significance (3). Last evaluated 2024-05-15.

Conditions:
Inborn genetic diseases. Identifiers: MedGen C0950123, MeSH D030342.
Autosomal systemic lupus erythematosus type 16. Also called: Systemic lupus erythematosus 16. Identifiers: Orphanet 300345, MedGen C3280742, MONDO:0013743, OMIM 614420.

Allele frequency attached by ClinVar (database versions not stated): ExAC 0.00002; gnomAD exomes 0.00002; gnomAD 0.00004 and 0.00006.
gnomAD v4.1: 58 of 1,613,968 alleles (0.0036%); highest among the groups gnomAD compares: South Asian, 0.024%; no homozygotes.

Submissions (3):

Fulgent Genetics
Classification: Uncertain significance for Autosomal systemic lupus erythematosus type 16. Last evaluated: 2024-05-15. Review status: criteria provided, single submitter. Criteria: ACMG Guidelines, 2015. Collection method: clinical testing. Allele origin: germline.

Ambry Genetics
Classification: Uncertain significance for Inborn genetic diseases. Last evaluated: 2023-11-02. Review status: criteria provided, single submitter. Criteria: Ambry Variant Classification Scheme 2023. Collection method: clinical testing. Allele origin: germline.

Labcorp Genetics (formerly Invitae), Labcorp
Classification: Uncertain significance. Last evaluated: 2022-03-17. Review status: criteria provided, single submitter. Criteria: Invitae Variant Classification Sherloc (09022015). Collection method: clinical testing. Allele origin: germline.
Comment: This sequence change replaces alanine, which is neutral and non-polar, with threonine, which is neutral and polar, at codon 18 of the DNASE1L3 protein (p.Ala18Thr). This variant is present in population databases (rs773990318, gnomAD 0.004%). This variant has not been reported in the literature in individuals affected with DNASE1L3-related conditions. Algorithms developed to predict the effect of missense changes on protein structure and function output the following: SIFT: "Tolerated"; PolyPhen-2: "Benign"; Align-GVGD: "Class C0". The threonine amino acid residue is found in multiple mammalian species, which suggests that this missense change does not adversely affect protein function. In summary, the available evidence is currently insufficient to determine the role of this variant in disease. Therefore, it has been classified as a Variant of Uncertain Significance.